The following is an entry in ClinVar:

ClinVar aggregate classification (germline): Likely benign (1 of 4 stars; one submission).

Allele frequency attached by ClinVar (database versions not stated): 1000 Genomes Project 30x 0.00297; 1000 Genomes Project 0.00319; ESP Exome Variant Server 0.00415; ExAC 0.00479; gnomAD 0.00489.
gnomAD v4.1: 8,729 of 1,614,094 alleles (0.54%); highest among the groups gnomAD compares: Middle Eastern, 1.3%; 36 homozygotes.

Submission:

CeGaT Center for Human Genetics Tuebingen
Classification: Likely benign. Last evaluated: 2022-11-01. Review status: criteria provided, single submitter. Criteria: CeGaT Center For Human Genetics Tuebingen Variant Classification Criteria Version 2. Collection method: clinical testing. Allele origin: germline. Affected: yes. Observed: 1 variant allele.
Comment: QPCTL: BP4, BS2

NM_017659.4(QPCTL):c.1091C>T (p.Thr364Met)

Gene: QPCTL (glutaminyl-peptide cyclotransferase like; plus strand). Cytogenetic location: 19q13.32.
Variant type: single nucleotide variant.
Coding change: c.1091C>T on transcript NM_017659.4 (MANE Select); coding-DNA position 1091, C replaced by T.
Protein change: p.Thr364Met; replaces threonine 364 with methionine.
Molecular consequence: missense variant.
Genome position (GRCh38, 1-based): chr19:45,702,991, C>T. VCF-style: chr19-45702991-C-T. GRCh37 (hg19) VCF-style: chr19-46206249-C-T.
Other names: c.809C>T, p.Thr270Met (NM_001163377.2); short protein forms T270M, T364M.
Identifiers: ClinVar variation 2650122 (VCV002650122.24), dbSNP rs117220573, ClinGen allele CA9519832.
Genomic context (GRCh38, chr19:45,702,991, plus strand): 5'-CGCCCTTCCCTGCTGTCTGGCACACCCCTGCGGACACCGAGGTCAATCTCCACCCACCCA[C>T]GGTACACAACTTGTGCCGCATTCTCGCTGTGTTCCTGGCTGAATACCTGGGGCTCTAGCG-3'
Protein context (NP_060129.2, residues 354-374): ADTEVNLHPP[Thr364Met]VHNLCRILAV